The following is an entry in ClinVar:

ClinVar aggregate classification (germline): Uncertain significance. Review status: criteria provided, multiple submitters, no conflicts (2 of 4 stars). 3 submissions from 3 submitters: Uncertain significance (3). Last evaluated 2026-02-27.

Conditions:
SLC44A4-related disorder. Also called: SLC44A4-related condition.

Allele frequency attached by ClinVar (database versions not stated): ExAC 0.00015; gnomAD 0.00018; TOPMed 0.00019; gnomAD exomes 0.00032; ESP Exome Variant Server 0.00036; 1000 Genomes Project 0.00040; 1000 Genomes Project 30x 0.00062.
gnomAD v4.1: 483 of 1,614,148 alleles (0.03%); highest among the groups gnomAD compares: Non-Finnish European, 0.039%; no homozygotes.

Submissions (3):

PreventionGenetics, part of Exact Sciences
Classification: Uncertain significance for SLC44A4-related condition. Last evaluated: 2026-02-27. Review status: criteria provided, single submitter. Criteria: ACMG Guidelines, 2015. Collection method: clinical testing. Allele origin: germline.
Comment: The SLC44A4 c.1982T>C variant is predicted to result in the amino acid substitution p.Met661Thr. To our knowledge, this variant has not been reported in the literature. This variant is reported in 0.026% of alleles in individuals of European (Non-Finnish) descent in gnomAD. Although we suspect that this variant may be benign, at this time, the clinical significance of this variant is uncertain due to the absence of conclusive functional and genetic evidence.

Labcorp Genetics (formerly Invitae), Labcorp
Classification: Uncertain significance. Last evaluated: 2026-01-12. Review status: criteria provided, single submitter. Criteria: Invitae Variant Classification Sherloc (09022015). Collection method: clinical testing. Allele origin: germline.
Comment: This sequence change replaces methionine, which is neutral and non-polar, with threonine, which is neutral and polar, at codon 661 of the SLC44A4 protein (p.Met661Thr). This variant is present in population databases (rs139748832, gnomAD 0.03%), and has an allele count higher than expected for a pathogenic variant. This variant has not been reported in the literature in individuals affected with SLC44A4-related conditions. ClinVar contains an entry for this variant (Variation ID: 2198170). Invitae Evidence Modeling of protein sequence and biophysical properties (such as structural, functional, and spatial information, amino acid conservation, physicochemical variation, residue mobility, and thermodynamic stability) indicates that this missense variant is not expected to disrupt SLC44A4 protein function with a negative predictive value of 80%. In summary, the available evidence is currently insufficient to determine the role of this variant in disease. Therefore, it has been classified as a Variant of Uncertain Significance.

Ambry Genetics
Classification: Uncertain significance. Last evaluated: 2025-05-05. Review status: criteria provided, single submitter. Criteria: Ambry Variant Classification Scheme 2023. Collection method: clinical testing. Allele origin: germline.

NM_025257.3(SLC44A4):c.1982T>C (p.Met661Thr)

Gene: SLC44A4 (solute carrier family 44 member 4; minus strand). Cytogenetic location: 6p21.33.
Variant type: single nucleotide variant.
Coding change: c.1982T>C on transcript NM_025257.3 (MANE Select); coding-DNA position 1982, T replaced by C.
Protein change: p.Met661Thr; replaces methionine 661 with threonine.
Molecular consequence: missense variant.
Genome position (GRCh38, 1-based): chr6:31,864,681, A>G on the plus strand (T>C on the coding strand, the complement: SLC44A4 is on the minus strand). VCF-style: chr6-31864681-A-G. GRCh37 (hg19) VCF-style: chr6-31832458-A-G.
Other names: c.1856T>C, p.Met619Thr (NM_001178044.2); c.1754T>C, p.Met585Thr (NM_001178045.2); c.1982T>C, p.Met661Thr (NM_032794.1); c.1982T>C (NM_025257.2); short protein forms M585T, M661T, M619T.
Identifiers: ClinVar variation 2198170 (VCV002198170.7), dbSNP rs139748832, ClinGen allele CA3725194.
Genomic context (GRCh38, chr6:31,864,681, plus strand): 5'-TTGGGGACAGGTGGCTGGGGGTGTCACTCACGGAAGCAGAGGAAGAGCGTGTCCACACAC[A>G]TGCCGAAAACGCTGAAGAAGCCGCTGGCGATGACATAGGCCCCCAGGATGGAGGTCTGGA-3'
Protein context (NP_079533.2, residues 651-671): IASGFFSVFG[Met661Thr]CVDTLFLCFL